The following is an entry in ClinVar:

NM_000143.4(FH):c.768A>G (p.Lys256=)

Gene: FH (fumarate hydratase; minus strand). Cytogenetic location: 1q43.
Variant type: single nucleotide variant.
Coding change: c.768A>G on transcript NM_000143.4 (MANE Select); coding-DNA position 768, A replaced by G.
Protein change: p.Lys256=; no amino-acid change (lysine 256 retained).
Molecular consequence: synonymous variant.
Genome position (GRCh38, 1-based): chr1:241,506,139, T>C on the plus strand (A>G on the coding strand, the complement: FH is on the minus strand). VCF-style: chr1-241506139-T-C. GRCh37 (hg19) VCF-style: chr1-241669439-T-C.
Identifiers: ClinVar variation 2819625 (VCV002819625.4), dbSNP rs2527323108, ClinGen allele CA424075970.
Genomic context (GRCh38, chr1:241,506,139, plus strand): 5'-GCCTCCAGCTGCGAGCTCATAGATTCTTGGCATGGCAGCTTTTATTCTTGTCATTGCATA[T>C]TTTACTTGTTGAACATAACCACTAAATTCCTGAAAAGAAAAGAAAATTAAGGTAAGAATA-3'
Protein context (NP_000134.2, residues 246-266): QEFSGYVQQV[Lys256=]YAMTRIKAAM

ClinVar aggregate classification (germline): Benign/Likely benign. Review status: criteria provided, multiple submitters, no conflicts (2 of 4 stars). 3 submissions from 3 submitters: Benign (1); Likely benign (2). Last evaluated 2025-10-10.

Conditions:
Hereditary cancer-predisposing syndrome. Also called: Neoplastic Syndromes, Hereditary; Tumor predisposition; Hereditary Cancer Syndrome; Hereditary neoplastic syndrome. Identifiers: Orphanet 140162, MedGen C0027672, MeSH D009386, MONDO:0015356.
Hereditary leiomyomatosis and renal cell cancer. Also called: MULTIPLE CUTANEOUS AND UTERINE LEIOMYOMATA 1, WITH OR WITHOUT RENAL CELL CARCINOMA; LEIOMYOMA, MULTIPLE CUTANEOUS; Reed syndrome; Multiple cutaneous and uterine leiomyomatosis; Cutaneous leiomyomata with uterine leiomyomata; Leiomyoma, hereditary multiple, of skin. Identifiers: Orphanet 523, MedGen C1708350, MONDO:0007888, OMIM 150800, HP:0007437. Disease mechanism: loss of function.

Submissions (3):

Ambry Genetics
Classification: Likely benign for Hereditary cancer-predisposing syndrome. Last evaluated: 2025-10-10. Review status: criteria provided, single submitter. Criteria: Ambry Variant Classification Scheme 2023. Collection method: clinical testing. Allele origin: germline.

Myriad Genetics, Inc.
Classification: Benign for Hereditary leiomyomatosis and renal cell cancer. Last evaluated: 2024-10-18. Review status: criteria provided, single submitter. Criteria: Myriad Autosomal Dominant, Autosomal Recessive and X-Linked Classification Criteria (2023). Collection method: clinical testing. Allele origin: unknown.
Comment: This variant is considered benign. This variant is a silent/synonymous amino acid change and it is not expected to impact splicing.

Labcorp Genetics (formerly Invitae), Labcorp
Classification: Likely benign. Last evaluated: 2022-12-09. Review status: criteria provided, single submitter. Criteria: Invitae Variant Classification Sherloc (09022015). Collection method: clinical testing. Allele origin: germline.